The following is an entry in ClinVar:

NM_001009944.3(PKD1):c.9168C>T (p.Phe3056=)

Gene: PKD1 (polycystin 1, transient receptor potential channel interacting; minus strand). Cytogenetic location: 16p13.3.
Variant type: single nucleotide variant.
Coding change: c.9168C>T on transcript NM_001009944.3 (MANE Select); coding-DNA position 9168, C replaced by T.
Protein change: p.Phe3056=; no amino-acid change (phenylalanine 3056 retained).
Molecular consequence: synonymous variant.
Genome position (GRCh38, 1-based): chr16:2,102,414, G>A on the plus strand (C>T on the coding strand, the complement: PKD1 is on the minus strand). VCF-style: chr16-2102414-G-A. GRCh37 (hg19) VCF-style: chr16-2152415-G-A.
Other names: c.9168C>T, p.Phe3056= (NM_000296.4).
Identifiers: ClinVar variation 997328 (VCV000997328.1), dbSNP rs199787425, ClinGen allele CA7830178.

ClinVar aggregate classification (germline): Likely benign (0 of 4 stars; one submission).

Conditions:
Polycystic kidney disease. Also called: Polycystic kidney dysplasia; Kidney, Polycystic. Identifiers: MedGen C0022680, MeSH D007690, MONDO:0020642, HP:0000113.

Allele frequency attached by ClinVar (database versions not stated): TOPMed 0.00002; gnomAD exomes 0.00004; ExAC 0.00015; 1000 Genomes Project 0.00020; 1000 Genomes Project 30x 0.00031.
gnomAD v4.1: 14 of 1,553,904 alleles (0.0009%); highest among the groups gnomAD compares: East Asian, 0.024%; no homozygotes.

Submission:

Department of Pathology and Laboratory Medicine, Sinai Health System
Classification: Likely benign for Polycystic Kidney disease. Review status: no assertion criteria provided. Collection method: clinical testing. Allele origin: unknown. Affected: yes. Study: The Canadian Open Genetics Repository (COGR).
Comment: The PKD1 p.Phe3056= variant was not identified in the literature nor was it identified in the ClinVar, LOVD 3.0, ADPKD Mutation Database or PKD1-LOVD databases. The variant was identified in dbSNP (ID: rs199787425) as "NA". It was also identified in control databases in 9 of 183868 chromosomes at a frequency of 0.00005 (Genome Aggregation Database Feb 27, 2017). The variant was observed in the following populations: European in 2 of 73350 chromosomes (freq: 0.00003) and East Asian in 7 of 12172 chromosomes (freq: 0.0006), while it was not observed in the African, Other, Latino, Ashkenazi Jewish, Finnish or South Asian populations. In addition, we cannot be certain that data from control databases is specific to PKD1 and not from one of the six PKD1 pseudogenes. The p.Phe3056= variant is not expected to have clinical significance because it does not result in a change of amino acid and is not located in a known consensus splice site. In addition, in silico or computational prediction software programs (SpliceSiteFinder, MaxEntScan, NNSPLICE, GeneSplicer) do not predict a difference in splicing. This variant was identified with a co-occurring, pathogenic variant in PKD2 (c.1081C>T, p.Arg361*), increasing the likelihood that this variant does not have clinical significance. In summary, based on the above information, the clinical significance of this variant cannot be determined with certainty at this time although we would lean towards a more benign role for this variant. This variant is classified as likely benign.